The following is an entry in ClinVar:

NM_002691.4(POLD1):c.37G>T (p.Val13Leu)

Gene: POLD1 (DNA polymerase delta 1, catalytic subunit; plus strand). Cytogenetic location: 19q13.33.
Variant type: single nucleotide variant.
Coding change: c.37G>T on transcript NM_002691.4 (MANE Select); coding-DNA position 37, G replaced by T.
Protein change: p.Val13Leu; replaces valine 13 with leucine.
Molecular consequence: missense variant. On other transcripts: non-coding transcript variant (1).
Genome position (GRCh38, 1-based): chr19:50,398,888, G>T. VCF-style: chr19-50398888-G-T. GRCh37 (hg19) VCF-style: chr19-50902145-G-T.
Other names: c.37G>T, p.Val13Leu (NM_001256849.1, NM_001308632.1); c.37G>T (NM_002691.2); short protein forms V13L.
Identifiers: ClinVar variation 407974 (VCV000407974.14), dbSNP rs760884573, ClinGen allele CA9595590.

ClinVar aggregate classification (germline): Conflicting classifications of pathogenicity. Review status: criteria provided, conflicting classifications (1 of 4 stars). 2 submissions from 2 submitters: Uncertain significance (1); Likely benign (1). Last evaluated 2025-05-12.

Conditions:
Hereditary cancer-predisposing syndrome. Also called: Neoplastic Syndromes, Hereditary; Hereditary neoplastic syndrome; Hereditary Cancer Syndrome; Tumor predisposition. Identifiers: Orphanet 140162, MedGen C0027672, MeSH D009386, MONDO:0015356.
POLD1-related polyposis and colorectal cancer syndrome (CRCS10). Also called: Colorectal cancer, susceptibility to, 10; Colorectal cancer 10; COLORECTAL CANCER, SUSCEPTIBILITY TO, ON CHROMOSOME 19q. Identifiers: Orphanet 220460, MedGen C2675481, MONDO:0012953, OMIM 612591.

gnomAD v4.1: 3 of 1,607,172 alleles (0.00019%); highest among the groups gnomAD compares: Admixed American, 0.0017%; no homozygotes.

Submissions (2):

Labcorp Genetics (formerly Invitae), Labcorp
Classification: Uncertain significance for POLD1-related polyposis and colorectal cancer syndrome. Last evaluated: 2025-05-12. Review status: criteria provided, single submitter. Criteria: Invitae Variant Classification Sherloc (09022015). Collection method: clinical testing. Allele origin: germline.
Comment: This sequence change replaces valine, which is neutral and non-polar, with leucine, which is neutral and non-polar, at codon 13 of the POLD1 protein (p.Val13Leu). This variant is not present in population databases (gnomAD no frequency). This variant has not been reported in the literature in individuals affected with POLD1-related conditions. ClinVar contains an entry for this variant (Variation ID: 407974). Experimental studies and prediction algorithms are not available or were not evaluated, and the functional significance of this variant is currently unknown. In summary, the available evidence is currently insufficient to determine the role of this variant in disease. Therefore, it has been classified as a Variant of Uncertain Significance.

Ambry Genetics
Classification: Likely benign for Hereditary cancer-predisposing syndrome. Last evaluated: 2024-12-31. Review status: criteria provided, single submitter. Criteria: Ambry Variant Classification Scheme 2023. Collection method: clinical testing. Allele origin: germline.